The following is an entry in ClinVar:

NM_001384732.1(CPLANE1):c.8664-19A>G

Gene: CPLANE1 (ciliogenesis and planar polarity effector complex subunit 1; minus strand). Cytogenetic location: 5p13.2.
Variant type: single nucleotide variant.
Coding change: c.8664-19A>G on transcript NM_001384732.1 (MANE Select); 19 bases into the intron before coding-DNA position 8664, A replaced by G.
Molecular consequence: intron variant.
Genome position (GRCh38, 1-based): chr5:37,138,867, T>C on the plus strand (A>G on the coding strand, the complement: CPLANE1 is on the minus strand). VCF-style: chr5-37138867-T-C. GRCh37 (hg19) VCF-style: chr5-37138969-T-C.
Other names: c.8502-19A>G (NM_023073.4).
Identifiers: ClinVar variation 1415649 (VCV001415649.9), dbSNP rs2150360134, ClinGen allele CA2573139584.

ClinVar aggregate classification (germline): Uncertain significance. Review status: criteria provided, multiple submitters, no conflicts (2 of 4 stars). 2 submissions from 2 submitters: Uncertain significance (2). Last evaluated 2021-11-04.

Conditions:
Orofaciodigital syndrome type 6 (OFD6). Also called: VARADI SYNDROME; VARADI-PAPP SYNDROME; OROFACIODIGITAL SYNDROME VI; OFDS VI; POLYDACTYLY, CLEFT LIP/PALATE OR LINGUAL LUMP, AND PSYCHOMOTOR RETARDATION; Oral-facial-digital syndrome type 6. Identifiers: Orphanet 2754, MedGen C2745997, MONDO:0010176, OMIM 277170.
Joubert syndrome 17 (JBTS17). Identifiers: Orphanet 475, MedGen C3553264, MONDO:0013824, OMIM 614615.

Submissions (2):

Fulgent Genetics
Classification: Uncertain significance for Orofaciodigital syndrome type 6; Joubert syndrome 17. Last evaluated: 2021-11-04. Review status: criteria provided, single submitter. Criteria: ACMG Guidelines, 2015. Collection method: clinical testing. Allele origin: unknown.

Labcorp Genetics (formerly Invitae), Labcorp
Classification: Uncertain significance. Last evaluated: 2021-03-10. Review status: criteria provided, single submitter. Criteria: Invitae Variant Classification Sherloc (09022015). Collection method: clinical testing. Allele origin: germline.
Comment: This sequence change falls in intron 44 of the CPLANE1 gene. It does not directly change the encoded amino acid sequence of the CPLANE1 protein. This variant is not present in population databases (ExAC no frequency). This variant has not been reported in the literature in individuals with CPLANE1-related conditions. Algorithms developed to predict the effect of sequence changes on RNA splicing suggest that this variant may create or strengthen a splice site, but this prediction has not been confirmed by published transcriptional studies. In summary, the available evidence is currently insufficient to determine the role of this variant in disease. Therefore, it has been classified as a Variant of Uncertain Significance.